The following is an entry in ClinVar:

ClinVar aggregate classification (germline): Uncertain significance (1 of 4 stars; one submission).

Conditions:
Familial thoracic aortic aneurysm and aortic dissection (TAAD). Also called: Thoracic aortic aneurysms and dissections. Identifiers: Orphanet 91387, MedGen C4707243, MONDO:0019625.

gnomAD v4.1: 2 of 1,613,060 alleles (0.00012%); highest among the groups gnomAD compares: East Asian, 0.0045%; no homozygotes.

Submission:

Ambry Genetics
Classification: Uncertain significance for Familial thoracic aortic aneurysm and aortic dissection. Last evaluated: 2024-01-11. Review status: criteria provided, single submitter. Criteria: Ambry Variant Classification Scheme 2023. Collection method: clinical testing. Allele origin: germline.
Comment: The p.S647N variant (also known as c.1940G>A), located in coding exon 12 of the NOTCH1 gene, results from a G to A substitution at nucleotide position 1940. The serine at codon 647 is replaced by asparagine, an amino acid with highly similar properties. This amino acid position is conserved. In addition, this alteration is predicted to be tolerated by in silico analysis. Since supporting evidence is limited at this time, the clinical significance of this alteration remains unclear.

NM_017617.5(NOTCH1):c.1940G>A (p.Ser647Asn)

Gene: NOTCH1 (notch receptor 1; minus strand). Cytogenetic location: 9q34.3.
Variant type: single nucleotide variant.
Coding change: c.1940G>A on transcript NM_017617.5 (MANE Select); coding-DNA position 1940, G replaced by A.
Protein change: p.Ser647Asn; replaces serine 647 with asparagine.
Molecular consequence: missense variant.
Genome position (GRCh38, 1-based): chr9:136,515,364, C>T on the plus strand (G>A on the coding strand, the complement: NOTCH1 is on the minus strand). VCF-style: chr9-136515364-C-T. GRCh37 (hg19) VCF-style: chr9-139409816-C-T.
Other names: short protein forms S647N.
Identifiers: ClinVar variation 3226954 (VCV003226954.1), dbSNP rs1843247716, ClinGen allele CA375559303.